The following is an entry in ClinVar:

ClinVar aggregate classification (germline): Uncertain significance (1 of 4 stars; one submission).

Submission:

Labcorp Genetics (formerly Invitae), Labcorp
Classification: Uncertain significance. Last evaluated: 2021-12-24. Review status: criteria provided, single submitter. Criteria: Invitae Variant Classification Sherloc (09022015). Collection method: clinical testing. Allele origin: germline.
Comment: In summary, the available evidence is currently insufficient to determine the role of this variant in disease. Therefore, it has been classified as a Variant of Uncertain Significance. This sequence change replaces threonine, which is neutral and polar, with serine, which is neutral and polar, at codon 665 of the WFS1 protein (p.Thr665Ser). This variant is not present in population databases (gnomAD no frequency). This variant has not been reported in the literature in individuals affected with WFS1-related conditions. Advanced modeling of protein sequence and biophysical properties (such as structural, functional, and spatial information, amino acid conservation, physicochemical variation, residue mobility, and thermodynamic stability) performed at Invitae indicates that this missense variant is not expected to disrupt WFS1 protein function.

NM_006005.3(WFS1):c.1993A>T (p.Thr665Ser)

Gene: WFS1 (wolframin ER transmembrane glycoprotein; plus strand). Cytogenetic location: 4p16.1.
Variant type: single nucleotide variant.
Coding change: c.1993A>T on transcript NM_006005.3 (MANE Select); coding-DNA position 1993, A replaced by T.
Protein change: p.Thr665Ser; replaces threonine 665 with serine.
Molecular consequence: missense variant.
Genome position (GRCh38, 1-based): chr4:6,301,788, A>T. VCF-style: chr4-6301788-A-T. GRCh37 (hg19) VCF-style: chr4-6303515-A-T.
Other names: c.1993A>T, p.Thr665Ser (NM_001145853.1); short protein forms T665S.
Identifiers: ClinVar variation 2057152 (VCV002057152.4), dbSNP rs369656458, ClinGen allele CA356177246.